The following is an entry in ClinVar:

NM_002529.4(NTRK1):c.2231G>A (p.Arg744His)

Gene: NTRK1 (neurotrophic receptor tyrosine kinase 1; plus strand). Cytogenetic location: 1q23.1.
Variant type: single nucleotide variant.
Coding change: c.2231G>A on transcript NM_002529.4 (MANE Select); coding-DNA position 2231, G replaced by A.
Protein change: p.Arg744His; replaces arginine 744 with histidine.
Molecular consequence: missense variant.
Genome position (GRCh38, 1-based): chr1:156,881,482, G>A. VCF-style: chr1-156881482-G-A. GRCh37 (hg19) VCF-style: chr1-156851274-G-A.
Other names: c.2123G>A, p.Arg708His (NM_001007792.1); c.2213G>A, p.Arg738His (NM_001012331.2); c.2231G>A (NM_002529.3); short protein forms R708H, R738H, R744H.
Identifiers: ClinVar variation 845496 (VCV000845496.48), dbSNP rs751281792, ClinGen allele CA1169610.

ClinVar aggregate classification (germline): Conflicting classifications of pathogenicity. Review status: criteria provided, conflicting classifications (1 of 4 stars). 5 submissions from 5 submitters: Uncertain significance (2); Likely benign (1). 2 of the submissions do not count toward it. Last evaluated 2026-03-04.

Conditions:
NTRK1-related disorder. Also called: NTRK1-related condition.
Hereditary insensitivity to pain with anhidrosis (CIPA). Also called: INSENSITIVITY TO PAIN, CONGENITAL, WITH ANHIDROSIS; HSAN Type IV; FAMILIAL DYSAUTONOMIA, TYPE II; hereditary sensory and autonomic neuropathy type 4; NEUROPATHY, CONGENITAL SENSORY, WITH ANHIDROSIS; NTRK1 Congenital Insensitivity to Pain with Anhidrosis. Identifiers: Orphanet 642, MedGen C0020074, MONDO:0009746, OMIM 256800.

Allele frequency attached by ClinVar (database versions not stated): gnomAD 0.00006; TOPMed 0.00010; gnomAD exomes 0.00013; ExAC 0.00036.

Submissions (5):

Women's Health and Genetics/Laboratory Corporation of America, LabCorp
Classification: Uncertain significance. Last evaluated: 2026-03-04. Review status: criteria provided, single submitter. Criteria: LabCorp Variant Classification Summary - May 2015. Collection method: clinical testing. Allele origin: germline.
Comment: Variant summary: NTRK1 c.2213G>A (p.Arg738His) results in a non-conservative amino acid change in the encoded protein sequence. Algorithms developed to predict the effect of missense changes on protein structure and function are either unavailable or do not agree on the potential impact of this missense change. The variant allele was found at a frequency of 0.00013 in 196842 control chromosomes. This frequency is not significantly higher than estimated for disease-causing variants in NTRK1, allowing no conclusion about variant significance. To our knowledge, no occurrence of c.2213G>A in individuals affected with NTRK1-related conditions and no experimental evidence demonstrating its impact on protein function have been reported. ClinVar contains an entry for this variant (Variation ID: 845496). Based on the evidence outlined above, the variant was classified as uncertain significance.

Labcorp Genetics (formerly Invitae), Labcorp
Classification: Likely benign for Hereditary insensitivity to pain with anhidrosis. Last evaluated: 2026-01-05. Review status: criteria provided, single submitter. Criteria: Invitae Variant Classification Sherloc (09022015). Collection method: clinical testing. Allele origin: germline.

CeGaT Center for Human Genetics Tuebingen
Classification: Uncertain significance. Last evaluated: 2020-12-01. Review status: criteria provided, single submitter. Criteria: CeGaT Center For Human Genetics Tuebingen Variant Classification Criteria Version 2. Collection method: clinical testing. Allele origin: germline. Affected: yes. Observed: 1 variant allele.

PreventionGenetics, part of Exact Sciences
Classification: Uncertain significance for NTRK1-related condition. Last evaluated: 2023-12-20. Review status: no assertion criteria provided. Collection method: clinical testing. Allele origin: germline. Not counted in ClinVar's aggregate classification.
Comment: The NTRK1 c.2231G>A variant is predicted to result in the amino acid substitution p.Arg744His. To our knowledge, this variant has not been reported in the literature. This variant is reported in 0.056% of alleles in individuals of Latino descent in gnomAD. Although we suspect that this variant may be benign, at this time, the clinical significance of this variant is uncertain due to the absence of conclusive functional and genetic evidence.

Natera, Inc.
Classification: Uncertain significance for Hereditary insensitivity to pain with anhidrosis. Last evaluated: 2020-09-16. Review status: no assertion criteria provided. Collection method: clinical testing. Allele origin: germline. Not counted in ClinVar's aggregate classification.